The following is an entry in ClinVar:

ClinVar aggregate classification (germline): Uncertain significance (1 of 4 stars; one submission).

Conditions:
Cohen syndrome (COH1). Also called: PEPPER SYNDROME; Cutis verticis gyrata, retinitis pigmentosa, and sensorineural deafness. Identifiers: Orphanet 193, MedGen C0265223, MONDO:0008999, OMIM 216550.

Allele frequency attached by ClinVar (database versions not stated): gnomAD exomes below 0.00001.
gnomAD v4.1: 3 of 1,613,836 alleles (0.00019%); highest among the groups gnomAD compares: Non-Finnish European, 0.00025%; no homozygotes.

Submission:

Labcorp Genetics (formerly Invitae), Labcorp
Classification: Uncertain significance for Cohen syndrome. Last evaluated: 2025-01-13. Review status: criteria provided, single submitter. Criteria: Invitae Variant Classification Sherloc (09022015). Collection method: clinical testing. Allele origin: germline.
Comment: This sequence change replaces glycine, which is neutral and non-polar, with glutamic acid, which is acidic and polar, at codon 1910 of the VPS13B protein (p.Gly1910Glu). This variant is not present in population databases (gnomAD no frequency). This variant has not been reported in the literature in individuals affected with VPS13B-related conditions. ClinVar contains an entry for this variant (Variation ID: 2180107). Invitae Evidence Modeling of protein sequence and biophysical properties (such as structural, functional, and spatial information, amino acid conservation, physicochemical variation, residue mobility, and thermodynamic stability) indicates that this missense variant is not expected to disrupt VPS13B protein function with a negative predictive value of 80%. In summary, the available evidence is currently insufficient to determine the role of this variant in disease. Therefore, it has been classified as a Variant of Uncertain Significance.

NM_152564.5(VPS13B):c.5654G>A (p.Gly1885Glu)

Gene: VPS13B (vacuolar protein sorting 13 homolog B; plus strand). Cytogenetic location: 8q22.2.
Variant type: single nucleotide variant.
Coding change: c.5654G>A on transcript NM_152564.5 (MANE Select); coding-DNA position 5654, G replaced by A.
Protein change: p.Gly1885Glu; replaces glycine 1885 with glutamic acid.
Molecular consequence: missense variant.
Genome position (GRCh38, 1-based): chr8:99,642,244, G>A. VCF-style: chr8-99642244-G-A. GRCh37 (hg19) VCF-style: chr8-100654472-G-A.
Other names: c.5729G>A, p.Gly1910Glu (NM_017890.5); short protein forms G1885E, G1910E.
Identifiers: ClinVar variation 2180107 (VCV002180107.3), dbSNP rs755804596, ClinGen allele CA183013602.